The following is an entry in ClinVar:

NM_005228.5(EGFR):c.3598del (p.Val1200fs)

Gene: EGFR (epidermal growth factor receptor; plus strand). Cytogenetic location: 7p11.2.
Variant type: Deletion.
Coding change: c.3598del on transcript NM_005228.5 (MANE Select); coding-DNA position 3598, one base deleted (G; older notation c.3598delG).
Protein change: p.Val1200fs; shifts the reading frame from valine 1200.
Molecular consequence: frameshift variant.
Genome position (GRCh38, 1-based): chr7:55,205,582, G deleted; the last of 3 consecutive G bases (chr7:55,205,580-55,205,582); deleting any one gives the same sequence. VCF-style (leftmost placement, unchanged base first): chr7-55205579-AG-A. GRCh37 (hg19) VCF-style: chr7-55273272-AG-A.
Other names: c.3463del, p.Val1155fs (NM_001346899.2); c.3439del, p.Val1147fs (NM_001346900.2); c.2797del, p.Val933fs (NM_001346941.2); short protein forms V1147fs, V933fs, V1200fs, V1155fs.
Identifiers: ClinVar variation 4247315 (VCV004247315.1).

ClinVar aggregate classification (germline): Uncertain significance (1 of 4 stars; one submission).

Conditions:
Hereditary cancer-predisposing syndrome. Also called: Hereditary Cancer Syndrome; Hereditary neoplastic syndrome; Neoplastic Syndromes, Hereditary; Tumor predisposition. Identifiers: Orphanet 140162, MedGen C0027672, MeSH D009386, MONDO:0015356.

Submission:

Ambry Genetics
Classification: Uncertain significance for Hereditary cancer-predisposing syndrome. Last evaluated: 2025-07-24. Review status: criteria provided, single submitter. Criteria: Ambry Variant Classification Scheme 2023. Collection method: clinical testing. Allele origin: germline.
Comment: The c.3598delG variant, located in coding exon 28 of the EGFR gene, results from a deletion of one nucleotide at nucleotide position 3598, causing a translational frameshift with a predicted alternate stop codon (p.V1200Sfs*16). This alteration occurs at the 3' terminus of theEGFR gene, is not expected to trigger nonsense-mediated mRNAdecay and results in the elongation of the protein by 4 amino acids. This frameshift impacts the last 11amino acids of the native protein. The exact functional effect of the altered amino acids is unknown. Based on the available evidence, the clinical significance of this variant remains unclear.